The following is an entry in ClinVar:

NM_000214.3(JAG1):c.2666G>A (p.Arg889Gln)

Gene: JAG1 (jagged canonical Notch ligand 1; minus strand). Cytogenetic location: 20p12.2.
Variant type: single nucleotide variant.
Coding change: c.2666G>A on transcript NM_000214.3 (MANE Select); coding-DNA position 2666, G replaced by A.
Protein change: p.Arg889Gln; replaces arginine 889 with glutamine.
Molecular consequence: missense variant.
Genome position (GRCh38, 1-based): chr20:10,641,799, C>T on the plus strand (G>A on the coding strand, the complement: JAG1 is on the minus strand). VCF-style: chr20-10641799-C-T. GRCh37 (hg19) VCF-style: chr20-10622447-C-T.
Other names: NM_000214.2(JAG1):c.2666G>A(p.Arg889Gln); c.2666G>A, p.Arg889Gln (LRG_1191t1); short protein forms R889Q.
Identifiers: ClinVar variation 234323 (VCV000234323.20), dbSNP rs149419694, ClinGen allele CA9764423.

ClinVar aggregate classification (germline): Conflicting classifications of pathogenicity. Review status: criteria provided, conflicting classifications (1 of 4 stars). 9 submissions from 9 submitters: Uncertain significance (6); Likely benign (3). Last evaluated 2026-01-21.

Conditions:
JAG1-related disorder. Also called: JAG1-related condition; JAG1-related disorders.
Tetralogy of Fallot (TOF). Identifiers: Orphanet 3303, MedGen C0039685, MONDO:0008542, OMIM 187500, HP:0001636.
Deafness, congenital heart defects, and posterior embryotoxon (DCHE). Identifiers: MedGen C1866053, MONDO:0060713, OMIM 617992.
Alagille syndrome due to a JAG1 point mutation. Also called: JAG1-Related Alagille Syndrome; HEPATIC DUCTULAR HYPOPLASIA, SYNDROMATIC; Alagille Syndrome 1. Identifiers: Orphanet 261619, Orphanet 52, MedGen C1956125, MONDO:0016862, OMIM 118450.
Charcot-Marie-Tooth disease, axonal, Type 2HH. Also called: CHARCOT-MARIE-TOOTH NEUROPATHY, TYPE 2HH. Identifiers: MedGen C5562003, MONDO:0030458, OMIM 619574.
Cardiovascular phenotype. Identifiers: MedGen CN230736.

Allele frequency attached by ClinVar (database versions not stated): gnomAD exomes 0.00006; ESP Exome Variant Server 0.00008; ExAC 0.00010; TOPMed 0.00010; gnomAD 0.00011.
gnomAD v4.1: 105 of 1,613,546 alleles (0.0065%); highest among the groups gnomAD compares: Middle Eastern, 0.49%; 1 homozygote.

Submissions (9):

Labcorp Genetics (formerly Invitae), Labcorp
Classification: Likely benign for Alagille syndrome due to a JAG1 point mutation. Last evaluated: 2026-01-21. Review status: criteria provided, single submitter. Criteria: Invitae Variant Classification Sherloc (09022015). Collection method: clinical testing. Allele origin: germline.

PreventionGenetics, part of Exact Sciences
Classification: Likely benign for JAG1-related condition. Last evaluated: 2025-06-12. Review status: criteria provided, single submitter. Criteria: ACMG Guidelines, 2015. Collection method: clinical testing. Allele origin: germline.
Comment: This variant is classified as likely benign based on ACMG/AMP sequence variant interpretation guidelines (Richards et al. 2015 PMID: 25741868, with internal and published modifications).

Blueprint Genetics
Classification: Likely benign. Last evaluated: 2024-10-21. Review status: criteria provided, single submitter. Criteria: ACMG Guidelines, 2015. Collection method: clinical testing. Allele origin: germline.

Revvity Omics, Revvity
Classification: Uncertain significance. Last evaluated: 2023-02-01. Review status: criteria provided, single submitter. Criteria: ACMG Guidelines, 2015. Collection method: clinical testing. Allele origin: germline.

Department of Pathology and Laboratory Medicine, Sinai Health System
Classification: Uncertain significance for Alagille syndrome due to a JAG1 point mutation; Tetralogy of Fallot; Deafness, congenital heart defects, and posterior embryotoxon; Charcot-Marie-Tooth disease, axonal, Type 2HH. Last evaluated: 2022-03-21. Review status: criteria provided, single submitter. Criteria: ACMG Guidelines, 2015. Collection method: research. Allele origin: germline.

Ambry Genetics
Classification: Uncertain significance for Cardiovascular phenotype. Last evaluated: 2018-11-26. Review status: criteria provided, single submitter. Criteria: Ambry Variant Classification Scheme 2023. Collection method: clinical testing. Allele origin: germline.
Comment: The p.R889Q variant (also known as c.2666G>A), located in coding exon 22 of the JAG1 gene, results from a G to A substitution at nucleotide position 2666. The arginine at codon 889 is replaced by glutamine, an amino acid with highly similar properties. This variant was identified in a cohort of individuals with Alagille syndrome; however, additional clinical details were not provided (Warthen DM et al. Hum. Mutat., 2006 May;27:436-43). This amino acid position is poorly conserved in available vertebrate species. In addition, the in silico prediction for this alteration is inconclusive. Based on available evidence to date, the clinical significance of this alteration remains unclear.

Fulgent Genetics
Classification: Uncertain significance for Alagille syndrome due to a JAG1 point mutation; Tetralogy of Fallot; Deafness, congenital heart defects, and posterior embryotoxon. Last evaluated: 2018-10-31. Review status: criteria provided, single submitter. Criteria: ACMG Guidelines, 2015. Collection method: clinical testing. Allele origin: unknown.

SIB Swiss Institute of Bioinformatics
Classification: Uncertain significance for Alagille syndrome due to a JAG1 point mutation. Last evaluated: 2018-05-31. Review status: criteria provided, single submitter. Criteria: ACMG Guidelines, 2015. Collection method: curation. Allele origin: unknown.
Comment: This variant is interpreted as a Uncertain Significance - Insufficient Evidence, for Alagille syndrome 1, in Autosomal Dominant manner. The following ACMG Tag(s) were applied: BS1 => Allele frequency is greater than expected for disorder.

GeneDx
Classification: Uncertain significance. Last evaluated: 2016-01-06. Review status: criteria provided, single submitter. Criteria: GeneDx Variant Classification (06012015). Collection method: clinical testing. Allele origin: germline. Affected: yes.
Comment: The R889Q variant of uncertain significance has been published previously in association with Alagille syndrome (Warthen et al., 2006). The variant was not observed at any significant frequency in approximately 6,500 individuals of European and African American ancestry in the NHLBI Exome Sequencing Project, indicating it is not a common benign variant in these populations. R889Q is a semi-conservative amino acid substitution, which may impact secondary protein structure as these residues differ in some properties. This substitution occurs at a position where amino acids with similar properties to Arginine are tolerated across species; however, in silico analysis is inconsistent in its predictions as to whether or not the variant is damaging to the protein structure/function. Therefore, based on the currently available information, it is unclear whether this variant is a pathogenic variant or a rare benign variant.

Literature cited by the submitters: PubMed 16575836 (cited by Ambry Genetics).